The following is an entry in ClinVar:

NM_003737.4(DCHS1):c.47G>C (p.Ser16Thr)

Gene: DCHS1 (dachsous cadherin-related 1; minus strand). Cytogenetic location: 11p15.4.
Variant type: single nucleotide variant.
Coding change: c.47G>C on transcript NM_003737.4 (MANE Select); coding-DNA position 47, G replaced by C.
Protein change: p.Ser16Thr; replaces serine 16 with threonine.
Molecular consequence: missense variant.
Genome position (GRCh38, 1-based): chr11:6,641,567, C>G on the plus strand (G>C on the coding strand, the complement: DCHS1 is on the minus strand). VCF-style: chr11-6641567-C-G. GRCh37 (hg19) VCF-style: chr11-6662798-C-G.
Other names: c.47G>C (NM_003737.2); short protein forms S16T.
Identifiers: ClinVar variation 2958436 (VCV002958436.4), dbSNP rs756099590, ClinGen allele CA5861222.
Genomic context (GRCh38, chr11:6,641,567, plus strand): 5'-CCAGCCCCCAGCAGCAGCAGCAGCAGCAGCAGCAATGGTAGCAGGAGGTGGGGCCTGGGG[C>G]TCTTCATGCCAGGGCAGGAAGGCACAATGCCCAGCTCCTTCTGCATGACAAGGGTAGTCC-3'
Protein context (NP_003728.1, residues 6-26): GIVPSCPGMK[Ser16Thr]PRPHLLLPLL

ClinVar aggregate classification (germline): Uncertain significance. Review status: criteria provided, multiple submitters, no conflicts (2 of 4 stars). 2 submissions from 2 submitters: Uncertain significance (2). Last evaluated 2026-01-09.

Conditions:
Inborn genetic diseases. Identifiers: MedGen C0950123, MeSH D030342.

Allele frequency attached by ClinVar (database versions not stated): gnomAD 0.00001; gnomAD exomes 0.00001; ExAC 0.00006.
gnomAD v4.1: 10 of 1,550,914 alleles (0.00064%); highest among the groups gnomAD compares: Admixed American, 0.002%; no homozygotes.

Submissions (2):

Ambry Genetics
Classification: Uncertain significance for Inborn genetic diseases. Last evaluated: 2026-01-09. Review status: criteria provided, single submitter. Criteria: Ambry Variant Classification Scheme 2023. Collection method: clinical testing. Allele origin: germline.
Comment: The c.47G>C (p.S16T) alteration is located in exon 2 (coding exon 1) of the DCHS1 gene. This alteration results from a G to C substitution at nucleotide position 47, causing the serine (S) at amino acid position 16 to be replaced by a threonine (T). Based on data from gnomAD, the C allele has an overall frequency of 0.002% (3/155818) total alleles studied. The highest observed frequency was 0.024% (2/8482) of Ashkenazi Jewish alleles. Based on insufficient or conflicting evidence, the clinical significance of this alteration remains unclear.

Labcorp Genetics (formerly Invitae), Labcorp
Classification: Uncertain significance. Last evaluated: 2025-11-06. Review status: criteria provided, single submitter. Criteria: Invitae Variant Classification Sherloc (09022015). Collection method: clinical testing. Allele origin: germline.
Comment: This sequence change replaces serine, which is neutral and polar, with threonine, which is neutral and polar, at codon 16 of the DCHS1 protein (p.Ser16Thr). This variant is present in population databases (rs756099590, gnomAD 0.02%). This variant has not been reported in the literature in individuals affected with DCHS1-related conditions. ClinVar contains an entry for this variant (Variation ID: 2958436). Invitae Evidence Modeling of protein sequence and biophysical properties (such as structural, functional, and spatial information, amino acid conservation, physicochemical variation, residue mobility, and thermodynamic stability) indicates that this missense variant is not expected to disrupt DCHS1 protein function with a negative predictive value of 95%. In summary, the available evidence is currently insufficient to determine the role of this variant in disease. Therefore, it has been classified as a Variant of Uncertain Significance.